The following is an entry in ClinVar:

ClinVar aggregate classification (germline): Likely benign. Review status: criteria provided, multiple submitters, no conflicts (2 of 4 stars). 3 submissions from 3 submitters: Likely benign (2). 1 of the submissions does not count toward it. Last evaluated 2026-02-03.

Conditions:
TRRAP-related disorder. Also called: TRRAP-related condition.

Allele frequency attached by ClinVar (database versions not stated): gnomAD exomes 0.00003 and 0.00010; ExAC 0.00014; gnomAD 0.00048 and 0.00053; TOPMed 0.00053; ESP Exome Variant Server 0.00062.
gnomAD v4.1: 125 of 1,596,814 alleles (0.0078%); highest among the groups gnomAD compares: African/African-American, 0.14%; no homozygotes.

Submissions (3):

Labcorp Genetics (formerly Invitae), Labcorp
Classification: Likely benign. Last evaluated: 2026-02-03. Review status: criteria provided, single submitter. Criteria: Invitae Variant Classification Sherloc (09022015). Collection method: clinical testing. Allele origin: germline.

Breakthrough Genomics
Classification: Likely benign. Review status: criteria provided, single submitter. Criteria: ACMG Guidelines, 2015. Collection method: not provided. Allele origin: germline. Inheritance: Autosomal dominant inheritance. Affected: yes.

PreventionGenetics, part of Exact Sciences
Classification: Likely benign for TRRAP-related condition. Last evaluated: 2023-11-28. Review status: no assertion criteria provided. Collection method: clinical testing. Allele origin: germline. Not counted in ClinVar's aggregate classification.
Comment: This variant is classified as likely benign based on ACMG/AMP sequence variant interpretation guidelines (Richards et al. 2015 PMID: 25741868, with internal and published modifications).

NM_001375524.1(TRRAP):c.4091C>T (p.Pro1364Leu)

Gene: TRRAP (transformation/transcription domain associated protein; plus strand). Cytogenetic location: 7q22.1.
Variant type: single nucleotide variant.
Coding change: c.4091C>T on transcript NM_001375524.1 (MANE Select); coding-DNA position 4091, C replaced by T.
Protein change: p.Pro1364Leu; replaces proline 1364 with leucine.
Molecular consequence: missense variant.
Genome position (GRCh38, 1-based): chr7:98,935,655, C>T. VCF-style: chr7-98935655-C-T. GRCh37 (hg19) VCF-style: chr7-98533278-C-T.
Other names: c.4091C>T, p.Pro1364Leu (NM_001244580.2, NM_003496.4); c.4091C>T (NM_003496.3); short protein forms P1364L.
Identifiers: ClinVar variation 1558687 (VCV001558687.12), dbSNP rs199559167, ClinGen allele CA4360155.